The following is an entry in ClinVar:

NM_006432.5(NPC2):c.422G>A (p.Trp141Ter)

Gene: NPC2 (NPC intracellular cholesterol transporter 2; minus strand). Cytogenetic location: 14q24.3.
Variant type: single nucleotide variant.
Coding change: c.422G>A on transcript NM_006432.5 (MANE Select); coding-DNA position 422, G replaced by A.
Protein change: p.Trp141Ter; replaces tryptophan 141 with a stop codon.
Molecular consequence: nonsense. On other transcripts: intron variant (1).
Genome position (GRCh38, 1-based): chr14:74,480,721, C>T on the plus strand (G>A on the coding strand, the complement: NPC2 is on the minus strand). VCF-style: chr14-74480721-C-T. GRCh37 (hg19) VCF-style: chr14-74947424-C-T.
Other names: c.422G>A, p.Trp141Ter (NM_001363688.1); c.364-433G>A (NM_001375440.1); short protein forms W141*.
Identifiers: ClinVar variation 553522 (VCV000553522.9), dbSNP rs1555345616, ClinGen allele CA390531676.

ClinVar aggregate classification (germline): Pathogenic. Review status: criteria provided, single submitter (1 of 4 stars). 2 submissions from 2 submitters: Pathogenic (1). 1 of the submissions does not count toward it. Last evaluated 2021-04-27.

Conditions:
Niemann-Pick disease, type C2 (NPC2). Identifiers: Orphanet 646, MedGen C1843366, MONDO:0011873, OMIM 607625.

Allele frequency attached by ClinVar (database versions not stated): gnomAD exomes below 0.00001.

Submissions (2):

Labcorp Genetics (formerly Invitae), Labcorp
Classification: Pathogenic for Niemann-Pick disease, type C2. Last evaluated: 2021-04-27. Review status: criteria provided, single submitter. Criteria: Invitae Variant Classification Sherloc (09022015). Collection method: clinical testing. Allele origin: germline.
Comment: For these reasons, this variant has been classified as Pathogenic. This variant disrupts the C-terminus of the NPC2 protein. Other variant(s) that disrupt this region (p.Gln146*) have been determined to be pathogenic (PMID: 16126423, 32138288). This suggests that variants that disrupt this region of the protein are likely to be causative of disease. Algorithms developed to predict the effect of sequence changes on RNA splicing suggest that this variant may create or strengthen a splice site, but this prediction has not been confirmed by published transcriptional studies. This sequence change creates a premature translational stop signal (p.Trp141*) in the NPC2 gene. While this is not anticipated to result in nonsense mediated decay, it is expected to disrupt the last 11 amino acid(s) of the NPC2 protein. This variant has not been reported in the literature in individuals with NPC2-related conditions. ClinVar contains an entry for this variant (Variation ID: 553522). This variant is not present in population databases (ExAC no frequency).

Counsyl
Classification: Likely pathogenic for Niemann-Pick disease, type C2. Last evaluated: 2017-08-22. Review status: no assertion criteria provided. Collection method: clinical testing. Allele origin: unknown. Not counted in ClinVar's aggregate classification.

Literature cited by the submitters: PubMed 16126423 (cited by Labcorp Genetics (formerly Invitae), Labcorp); PubMed 32138288 (cited by Labcorp Genetics (formerly Invitae), Labcorp).